The following is an entry in ClinVar:

NM_001048174.2(MUTYH):c.1240-3C>T

Gene: MUTYH (mutY DNA glycosylase; minus strand). Cytogenetic location: 1p34.1.
Variant type: single nucleotide variant.
Coding change: c.1240-3C>T on transcript NM_001048174.2 (MANE Select); 3 bases into the intron before coding-DNA position 1240, C replaced by T.
Molecular consequence: intron variant.
Genome position (GRCh38, 1-based): chr1:45,331,337, G>A on the plus strand (C>T on the coding strand, the complement: MUTYH is on the minus strand). VCF-style: chr1-45331337-G-A. GRCh37 (hg19) VCF-style: chr1-45797009-G-A.
Other names: c.895-3C>T (NM_001350651.2, NM_001350650.2); c.964-3C>T (NM_001293192.2, NM_001293196.2); c.1240-3C>T (NM_001048171.2, NM_001048173.2, NM_001293195.2); c.1285-3C>T (NM_001293190.2); c.1315-3C>T (NM_012222.3); c.1324-3C>T (NM_001128425.2); c.1243-3C>T (NM_001048172.2); c.1273-3C>T (NM_001293191.2).
Identifiers: ClinVar variation 1489896 (VCV001489896.6), dbSNP rs2149115137, ClinGen allele CA2573132028.

ClinVar aggregate classification (germline): Uncertain significance (1 of 4 stars; one submission).

Conditions:
Familial adenomatous polyposis 2. Also called: MYH-associated polyposis; Adenomas, multiple colorectal; COLORECTAL ADENOMATOUS POLYPOSIS, AUTOSOMAL RECESSIVE; ADENOMAS, MULTIPLE COLORECTAL, AUTOSOMAL RECESSIVE; FAP type 2; MUTYH Polyposis. Identifiers: Orphanet 220460, Orphanet 247798, MedGen C3272841, MONDO:0012041, OMIM 608456.

Submission:

Labcorp Genetics (formerly Invitae), Labcorp
Classification: Uncertain significance for Familial adenomatous polyposis 2. Last evaluated: 2024-04-10. Review status: criteria provided, single submitter. Criteria: Invitae Variant Classification Sherloc (09022015). Collection method: clinical testing. Allele origin: germline.
Comment: This sequence change falls in intron 13 of the MUTYH gene. It does not directly change the encoded amino acid sequence of the MUTYH protein. It affects a nucleotide within the consensus splice site. This variant is not present in population databases (gnomAD no frequency). This variant has not been reported in the literature in individuals affected with MUTYH-related conditions. ClinVar contains an entry for this variant (Variation ID: 1489896). Variants that disrupt the consensus splice site are a relatively common cause of aberrant splicing (PMID: 17576681, 9536098). Algorithms developed to predict the effect of sequence changes on RNA splicing suggest that this variant is not likely to affect RNA splicing. In summary, the available evidence is currently insufficient to determine the role of this variant in disease. Therefore, it has been classified as a Variant of Uncertain Significance.

Literature cited by the submitters: PubMed 17576681; PubMed 9536098.